The following is an entry in ClinVar:

NM_025179.4(PLXNA2):c.1416G>A (p.Met472Ile)

Gene: PLXNA2 (plexin A2; minus strand). Cytogenetic location: 1q32.2.
Variant type: single nucleotide variant.
Coding change: c.1416G>A on transcript NM_025179.4 (MANE Select); coding-DNA position 1416, G replaced by A.
Protein change: p.Met472Ile; replaces methionine 472 with isoleucine.
Molecular consequence: missense variant.
Genome position (GRCh38, 1-based): chr1:208,142,419, C>T on the plus strand (G>A on the coding strand, the complement: PLXNA2 is on the minus strand). VCF-style: chr1-208142419-C-T. GRCh37 (hg19) VCF-style: chr1-208315764-C-T.
Other names: short protein forms M472I.
Identifiers: ClinVar variation 3421134 (VCV003421134.3).

ClinVar aggregate classification (germline): Uncertain significance. Review status: criteria provided, multiple submitters, no conflicts (2 of 4 stars). 2 submissions from 2 submitters: Uncertain significance (2). Last evaluated 2024-09-11.

gnomAD v4.1: 1 of 1,613,710 alleles (0.000062%); highest among the groups gnomAD compares: Non-Finnish European, 0.000085%; no homozygotes.

Submissions (2):

Ambry Genetics
Classification: Uncertain significance. Last evaluated: 2024-09-11. Review status: criteria provided, single submitter. Criteria: Ambry Variant Classification Scheme 2023. Collection method: clinical testing. Allele origin: germline.

Labcorp Genetics (formerly Invitae), Labcorp
Classification: Uncertain significance. Last evaluated: 2024-04-09. Review status: criteria provided, single submitter. Criteria: Invitae Variant Classification Sherloc (09022015). Collection method: clinical testing. Allele origin: germline.
Comment: This sequence change replaces methionine, which is neutral and non-polar, with isoleucine, which is neutral and non-polar, at codon 472 of the PLXNA2 protein (p.Met472Ile). This variant is not present in population databases (gnomAD no frequency). This variant has not been reported in the literature in individuals affected with PLXNA2-related conditions. Advanced modeling of protein sequence and biophysical properties (such as structural, functional, and spatial information, amino acid conservation, physicochemical variation, residue mobility, and thermodynamic stability) performed at Invitae indicates that this missense variant is not expected to disrupt PLXNA2 protein function with a negative predictive value of 80%. In summary, the available evidence is currently insufficient to determine the role of this variant in disease. Therefore, it has been classified as a Variant of Uncertain Significance.